The following is an entry in ClinVar:

NM_005097.4(LGI1):c.593T>C (p.Ile198Thr)

Gene: LGI1 (leucine rich glioma inactivated 1; plus strand). Cytogenetic location: 10q23.33.
Variant type: single nucleotide variant.
Coding change: c.593T>C on transcript NM_005097.4 (MANE Select); coding-DNA position 593, T replaced by C.
Protein change: p.Ile198Thr; replaces isoleucine 198 with threonine.
Molecular consequence: missense variant. On other transcripts: non-coding transcript variant (1).
Genome position (GRCh38, 1-based): chr10:93,792,832, T>C. VCF-style: chr10-93792832-T-C. GRCh37 (hg19) VCF-style: chr10-95552589-T-C.
Other names: c.593T>C, p.Ile198Thr (NM_001308275.2); c.449T>C, p.Ile150Thr (NM_001308276.2); c.593T>C (NM_005097.2); short protein forms I150T, I198T.
Identifiers: ClinVar variation 1491424 (VCV001491424.7), dbSNP rs2134020872, ClinGen allele CA377623493.
Genomic context (GRCh38, chr10:93,792,832, plus strand): 5'-ACTGTAAACTGAAATGGCTAGTGGAATGGCTTGGCCACACCAATGCAACTGTTGAAGACA[T>C]CTACTGCGAAGGCCCCCCAGAATACAAGAAGCGCAAAATCAATAGTCTCTCCTCGAAGGA-3'
Protein context (NP_005088.1, residues 188-208): LGHTNATVED[Ile198Thr]YCEGPPEYKK

ClinVar aggregate classification (germline): Uncertain significance. Review status: criteria provided, multiple submitters, no conflicts (2 of 4 stars). 2 submissions from 2 submitters: Uncertain significance (2). Last evaluated 2026-03-28.

Conditions:
Autosomal dominant epilepsy with auditory features. Identifiers: Orphanet 101046, MedGen C1838062, MONDO:0010898.

Allele frequency attached by ClinVar (database versions not stated): gnomAD exomes below 0.00001.
gnomAD v4.1: 5 of 1,614,122 alleles (0.00031%); highest among the groups gnomAD compares: Non-Finnish European, 0.00042%; no homozygotes.

Submissions (2):

GeneDx
Classification: Uncertain significance. Last evaluated: 2026-03-28. Review status: criteria provided, single submitter. Criteria: GeneDx Variant Classification Process June 2021. Collection method: clinical testing. Allele origin: germline.
Comment: Not observed at significant frequency in large population cohorts (gnomAD); In silico analysis supports that this missense variant has a deleterious effect on protein structure/function; Has not been previously published as pathogenic or benign to our knowledge

Labcorp Genetics (formerly Invitae), Labcorp
Classification: Uncertain significance for Autosomal dominant epilepsy with auditory features. Last evaluated: 2021-11-29. Review status: criteria provided, single submitter. Criteria: Invitae Variant Classification Sherloc (09022015). Collection method: clinical testing. Allele origin: germline.
Comment: This sequence change replaces isoleucine, which is neutral and non-polar, with threonine, which is neutral and polar, at codon 198 of the LGI1 protein (p.Ile198Thr). This variant is not present in population databases (gnomAD no frequency). This variant has not been reported in the literature in individuals affected with LGI1-related conditions. Algorithms developed to predict the effect of missense changes on protein structure and function (SIFT, PolyPhen-2, Align-GVGD) all suggest that this variant is likely to be tolerated. In summary, the available evidence is currently insufficient to determine the role of this variant in disease. Therefore, it has been classified as a Variant of Uncertain Significance.